The following is an entry in ClinVar:

NM_004991.4(MECOM):c.3013A>G (p.Met1005Val)

Gene: MECOM (MDS1 and EVI1 complex locus; minus strand). Cytogenetic location: 3q26.2.
Variant type: single nucleotide variant.
Coding change: c.3013A>G on transcript NM_004991.4 (MANE Select); coding-DNA position 3013, A replaced by G.
Protein change: p.Met1005Val; replaces methionine 1005 with valine.
Molecular consequence: missense variant.
Genome position (GRCh38, 1-based): chr3:169,095,082, T>C on the plus strand (A>G on the coding strand, the complement: MECOM is on the minus strand). VCF-style: chr3-169095082-T-C. GRCh37 (hg19) VCF-style: chr3-168812870-T-C.
Other names: c.2644A>G, p.Met882Val (NM_001105077.4); c.2449A>G, p.Met817Val (NM_001105078.4, NM_001205194.2, NM_001366469.2 and 1 more transcripts); c.2425A>G, p.Met809Val (NM_001163999.2, NM_001366470.2); c.2422A>G, p.Met808Val (NM_001164000.2, NM_001366471.2, NM_001366472.2); c.2986A>G, p.Met996Val (NM_001366466.2); c.2452A>G, p.Met818Val (NM_001366467.2, NM_001366468.2); c.2014A>G, p.Met672Val (NM_001366473.2); c.1450A>G, p.Met484Val (NM_001366474.2); short protein forms M1005V, M672V, M817V, M484V, M809V, M882V, M808V, M818V.
Identifiers: ClinVar variation 2066867 (VCV002066867.27), dbSNP rs200049869, ClinGen allele CA2696017.

ClinVar aggregate classification (germline): Conflicting classifications of pathogenicity. Review status: criteria provided, conflicting classifications (1 of 4 stars). 3 submissions from 3 submitters: Uncertain significance (1); Likely benign (2). Last evaluated 2026-01-24.

Conditions:
Radioulnar synostosis with amegakaryocytic thrombocytopenia 2 (RUSAT2). Also called: RADIOULNAR SYNOSTOSIS AND AMEGAKARYOCYTIC THROMBOCYTOPENIA 2. Identifiers: Orphanet 71289, MedGen C4225221, MONDO:0014758, OMIM 616738.

Allele frequency attached by ClinVar (database versions not stated): ESP Exome Variant Server 0.00038; gnomAD exomes 0.00046; gnomAD 0.00023; TOPMed 0.00023; ExAC 0.00038.

Submissions (3):

Labcorp Genetics (formerly Invitae), Labcorp
Classification: Uncertain significance. Last evaluated: 2026-01-24. Review status: criteria provided, single submitter. Criteria: Invitae Variant Classification Sherloc (09022015). Collection method: clinical testing. Allele origin: germline.
Comment: This sequence change replaces methionine, which is neutral and non-polar, with valine, which is neutral and non-polar, at codon 817 of the MECOM protein (p.Met817Val). This variant is present in population databases (rs200049869, gnomAD 0.05%), and has an allele count higher than expected for a pathogenic variant. This missense change has been observed in individual(s) with clinical features of MECOM-related conditions (PMID: 29540340). ClinVar contains an entry for this variant (Variation ID: 2066867). An algorithm developed to predict the effect of missense changes on protein structure and function (PolyPhen-2) suggests that this variant is likely to be tolerated. In summary, the available evidence is currently insufficient to determine the role of this variant in disease. Therefore, it has been classified as a Variant of Uncertain Significance.

CeGaT Center for Human Genetics Tuebingen
Classification: Likely benign. Last evaluated: 2023-12-01. Review status: criteria provided, single submitter. Criteria: CeGaT Center For Human Genetics Tuebingen Variant Classification Criteria Version 2. Collection method: clinical testing. Allele origin: germline. Affected: yes. Observed: 1 variant allele.
Comment: MECOM: PP2, BS2

Department of Pathology and Laboratory Medicine, Sinai Health System
Classification: Likely benign for Radioulnar synostosis with amegakaryocytic thrombocytopenia 2. Last evaluated: 2021-07-30. Review status: criteria provided, single submitter. Criteria: ACMG Guidelines, 2015. Collection method: research. Allele origin: germline.

Literature cited by the submitters: PubMed 29540340 (cited by Labcorp Genetics (formerly Invitae), Labcorp).